The following is an entry in ClinVar:

ClinVar aggregate classification (germline): Likely benign (1 of 4 stars; one submission).

gnomAD v4.1: 3 of 152,068 alleles (0.002%); highest among the groups gnomAD compares: Non-Finnish European, 0.0044%; no homozygotes.

Submission:

CeGaT Center for Human Genetics Tuebingen
Classification: Likely benign. Last evaluated: 2025-08-01. Review status: criteria provided, single submitter. Criteria: CeGaT Center For Human Genetics Tuebingen Variant Classification Criteria Version 2. Collection method: clinical testing. Allele origin: germline. Affected: yes. Observed: 1 variant allele.
Comment: KIF1B: BP4, BP7

NM_001365951.3(KIF1B):c.429+1041C>T

Gene: KIF1B (kinesin family member 1B; plus strand). Cytogenetic location: 1p36.22.
Variant type: single nucleotide variant.
Coding change: c.429+1041C>T on transcript NM_001365951.3 (MANE Select); 1041 bases into the intron after coding-DNA position 429, C replaced by T.
Molecular consequence: intron variant.
Genome position (GRCh38, 1-based): chr1:10,263,011, C>T. VCF-style: chr1-10263011-C-T. GRCh37 (hg19) VCF-style: chr1-10323069-C-T.
Other names: c.429+1041C>T (NM_183416.4, NM_015074.3, NM_001365952.1 and 1 more transcripts).
Identifiers: ClinVar variation 4085091 (VCV004085091.8).